The following is an entry in ClinVar:

ClinVar aggregate classification (germline): Benign/Likely benign. Review status: criteria provided, multiple submitters, no conflicts (2 of 4 stars). 5 submissions from 5 submitters: Benign (2); Likely benign (2). 1 of the submissions does not count toward it. Last evaluated 2025-12-26.

Conditions:
Early-infantile DEE. Also called: Ohtahara syndrome; Early infantile epileptic encephalopathy; Early infantile epileptic encephalopathy with suppression bursts. Identifiers: Orphanet 1934, MedGen C0393706, MONDO:0800491.
GNAO1-related disorder. Also called: GNAO1-Related Disorders; GNAO1-related condition. Identifiers: MedGen CN381308.
Inborn genetic diseases. Identifiers: MedGen C0950123, MeSH D030342.

Allele frequency attached by ClinVar (database versions not stated): gnomAD 0.00007 and 0.00009; TOPMed 0.00009; gnomAD exomes 0.00013 and 0.00028; 1000 Genomes Project 30x 0.00031; ExAC 0.00032.
gnomAD v4.1: 233 of 1,613,196 alleles (0.014%); highest among the groups gnomAD compares: South Asian, 0.17%; 2 homozygotes.

Submissions (5):

Labcorp Genetics (formerly Invitae), Labcorp
Classification: Benign for Early-infantile DEE. Last evaluated: 2025-12-26. Review status: criteria provided, single submitter. Criteria: Invitae Variant Classification Sherloc (09022015). Collection method: clinical testing. Allele origin: germline.

Blueprint Genetics
Classification: Likely benign. Last evaluated: 2024-04-30. Review status: criteria provided, single submitter. Criteria: ACMG Guidelines, 2015. Collection method: clinical testing. Allele origin: germline.

GeneDx
Classification: Benign. Last evaluated: 2020-02-13. Review status: criteria provided, single submitter. Criteria: GeneDx Variant Classification Process June 2021. Collection method: clinical testing. Allele origin: germline. Affected: yes.

Ambry Genetics
Classification: Likely benign for Inborn genetic diseases. Last evaluated: 2017-04-13. Review status: criteria provided, single submitter. Criteria: Ambry Variant Classification Scheme 2023. Collection method: clinical testing. Allele origin: germline.

PreventionGenetics, part of Exact Sciences
Classification: Likely benign for GNAO1-related condition. Last evaluated: 2019-05-28. Review status: no assertion criteria provided. Collection method: clinical testing. Allele origin: germline. Not counted in ClinVar's aggregate classification.
Comment: This variant is classified as likely benign based on ACMG/AMP sequence variant interpretation guidelines (Richards et al. 2015 PMID: 25741868, with internal and published modifications).

NM_020988.3(GNAO1):c.687C>T (p.Ser229=)

Gene: GNAO1 (G protein subunit alpha o1; plus strand). Cytogenetic location: 16q13.
Variant type: single nucleotide variant.
Coding change: c.687C>T on transcript NM_020988.3 (MANE Select); coding-DNA position 687, C replaced by T.
Protein change: p.Ser229=; no amino-acid change (serine 229 retained).
Molecular consequence: synonymous variant.
Genome position (GRCh38, 1-based): chr16:56,336,824, C>T. VCF-style: chr16-56336824-C-T. GRCh37 (hg19) VCF-style: chr16-56370736-C-T.
Other names: c.687C>T, p.Ser229= (NM_138736.3).
Identifiers: ClinVar variation 415876 (VCV000415876.21), dbSNP rs546569747, ClinGen allele CA8063831.